The following is an entry in ClinVar:

ClinVar aggregate classification (germline): Uncertain significance (1 of 4 stars; one submission).

Conditions:
Emery-Dreifuss muscular dystrophy 4, autosomal dominant (EDMD4). Also called: EMERY-DREIFUSS MUSCULAR DYSTROPHY 4 WITH VARIABLE FEATURES. Identifiers: Orphanet 261, MedGen C2751807, MONDO:0013071, OMIM 612998.
Autosomal recessive ataxia, Beauce type. Also called: Spinocerebellar ataxia, autosomal recessive 8; ATAXIA, RECESSIVE, OF BEAUCE; SYNE1 Deficiency; SYNE1-Related Autosomal Recessive Cerebellar Ataxia. Identifiers: Orphanet 88644, MedGen C1853116, MONDO:0012549, OMIM 610743.

Allele frequency attached by ClinVar (database versions not stated): gnomAD 0.00001 and 0.00003; TOPMed 0.00003; gnomAD exomes 0.00006 and 0.00013; ExAC 0.00017; 1000 Genomes Project 0.00020; 1000 Genomes Project 30x 0.00031.
gnomAD v4.1: 94 of 1,614,134 alleles (0.0058%); highest among the groups gnomAD compares: South Asian, 0.078%; no homozygotes.

Submission:

Labcorp Genetics (formerly Invitae), Labcorp
Classification: Uncertain significance for Emery-Dreifuss muscular dystrophy 4, autosomal dominant; Autosomal recessive ataxia, Beauce type. Last evaluated: 2022-08-21. Review status: criteria provided, single submitter. Criteria: Invitae Variant Classification Sherloc (09022015). Collection method: clinical testing. Allele origin: germline.
Comment: In summary, the available evidence is currently insufficient to determine the role of this variant in disease. Therefore, it has been classified as a Variant of Uncertain Significance. Algorithms developed to predict the effect of missense changes on protein structure and function are either unavailable or do not agree on the potential impact of this missense change (SIFT: "Deleterious"; PolyPhen-2: "Benign"; Align-GVGD: "Class C0"). ClinVar contains an entry for this variant (Variation ID: 1038312). This variant has not been reported in the literature in individuals affected with SYNE1-related conditions. This variant is present in population databases (rs549373990, gnomAD 0.07%). This sequence change replaces alanine, which is neutral and non-polar, with valine, which is neutral and non-polar, at codon 6038 of the SYNE1 protein (p.Ala6038Val).

NM_182961.4(SYNE1):c.18326C>T (p.Ala6109Val)

Gene: SYNE1 (spectrin repeat containing nuclear envelope protein 1; minus strand). Cytogenetic location: 6q25.2.
Variant type: single nucleotide variant.
Coding change: c.18326C>T on transcript NM_182961.4 (MANE Select); coding-DNA position 18326, C replaced by T.
Protein change: p.Ala6109Val; replaces alanine 6109 with valine.
Molecular consequence: missense variant.
Genome position (GRCh38, 1-based): chr6:152,281,862, G>A on the plus strand (C>T on the coding strand, the complement: SYNE1 is on the minus strand). VCF-style: chr6-152281862-G-A. GRCh37 (hg19) VCF-style: chr6-152602997-G-A.
Other names: c.18113C>T, p.Ala6038Val (NM_033071.5); short protein forms A6038V, A6109V.
Identifiers: ClinVar variation 1038312 (VCV001038312.8), dbSNP rs549373990, ClinGen allele CA4055002.